The following is an entry in ClinVar:

NM_080669.6(SLC46A1):c.11G>A (p.Ser4Asn)

Genes: SLC46A1 (solute carrier family 46 member 1; minus strand), LOC130060550 (ATAC-STARR-seq lymphoblastoid silent region 8340; plus strand). Cytogenetic location: 17q11.2.
Variant type: single nucleotide variant.
Coding change: c.11G>A on transcript NM_080669.6 (MANE Select); coding-DNA position 11, G replaced by A.
Protein change: p.Ser4Asn; replaces serine 4 with asparagine.
Molecular consequence: missense variant.
Genome position (GRCh38, 1-based): chr17:28,406,104, C>T on the plus strand (G>A on the coding strand, the complement: SLC46A1 is on the minus strand). VCF-style: chr17-28406104-C-T. GRCh37 (hg19) VCF-style: chr17-26733122-C-T.
Other names: c.11G>A, p.Ser4Asn (NM_001242366.3); short protein forms S4N.
Identifiers: ClinVar variation 2080331 (VCV002080331.4), dbSNP rs2508308280, ClinGen allele CA398355084.
Genomic context (GRCh38, chr17:28,406,104, plus strand): 5'-GGGCCCCGGCACAGCACGGCAGCCGCAGGGCGGGCGCGGGGCTTTTCCGGGGGGCTCGCG[C>T]TCCCCTCCATGTGCGTGCGCGGCGGAGCTGTCGCCAGGCGGGCGGCGGGGCGCGCGAGCG-3'
Protein context (NP_542400.2, residues 1-14): MEG[Ser4Asn]ASPPEKPRAR

ClinVar aggregate classification (germline): Uncertain significance (1 of 4 stars; one submission).

Allele frequency attached by ClinVar (database versions not stated): gnomAD exomes below 0.00001.
gnomAD v4.1: 6 of 1,552,182 alleles (0.00039%); highest among the groups gnomAD compares: Non-Finnish European, 0.00043%; no homozygotes.

Submission:

Labcorp Genetics (formerly Invitae), Labcorp
Classification: Uncertain significance. Last evaluated: 2025-08-21. Review status: criteria provided, single submitter. Criteria: Invitae Variant Classification Sherloc (09022015). Collection method: clinical testing. Allele origin: germline.
Comment: This sequence change replaces serine, which is neutral and polar, with asparagine, which is neutral and polar, at codon 4 of the SLC46A1 protein (p.Ser4Asn). This variant is not present in population databases (gnomAD no frequency). This variant has not been reported in the literature in individuals affected with SLC46A1-related conditions. ClinVar contains an entry for this variant (Variation ID: 2080331). Experimental studies and prediction algorithms are not available or were not evaluated, and the functional significance of this variant is currently unknown. In summary, the available evidence is currently insufficient to determine the role of this variant in disease. Therefore, it has been classified as a Variant of Uncertain Significance.